The following is an entry in ClinVar:

ClinVar aggregate classification (germline): Uncertain significance (1 of 4 stars; one submission).

Submission:

Labcorp Genetics (formerly Invitae), Labcorp
Classification: Uncertain significance. Last evaluated: 2024-01-02. Review status: criteria provided, single submitter. Criteria: Invitae Variant Classification Sherloc (09022015). Collection method: clinical testing. Allele origin: germline.
Comment: This sequence change replaces proline, which is neutral and non-polar, with threonine, which is neutral and polar, at codon 878 of the CSF1R protein (p.Pro878Thr). This variant is not present in population databases (gnomAD no frequency). This missense change has been observed in individual(s) with hereditary diffuse leukoencephalopathy with spheroids (PMID: 22197934). Advanced modeling of protein sequence and biophysical properties (such as structural, functional, and spatial information, amino acid conservation, physicochemical variation, residue mobility, and thermodynamic stability) has been performed at Invitae for this missense variant, however the output from this modeling did not meet the statistical confidence thresholds required to predict the impact of this variant on CSF1R protein function. Experimental studies have shown that this missense change affects CSF1R function (PMID: 24120500). This variant disrupts the p.Pro878 amino acid residue in CSF1R. Other variant(s) that disrupt this residue have been observed in individuals with CSF1R-related conditions (PMID: 30136118, 32430064), which suggests that this may be a clinically significant amino acid residue. In summary, the available evidence is currently insufficient to determine the role of this variant in disease. Therefore, it has been classified as a Variant of Uncertain Significance.

Literature cited by the submitters: PubMed 22197934; PubMed 24120500; PubMed 30136118; PubMed 32430064.

NM_001288705.3(CSF1R):c.2632C>A (p.Pro878Thr)

Gene: CSF1R (colony stimulating factor 1 receptor; minus strand). Cytogenetic location: 5q32.
Variant type: single nucleotide variant.
Coding change: c.2632C>A on transcript NM_001288705.3 (MANE Select); coding-DNA position 2632, C replaced by A.
Protein change: p.Pro878Thr; replaces proline 878 with threonine.
Molecular consequence: missense variant. On other transcripts: non-coding transcript variant (2).
Genome position (GRCh38, 1-based): chr5:150,055,259, G>T on the plus strand (C>A on the coding strand, the complement: CSF1R is on the minus strand). VCF-style: chr5-150055259-G-T. GRCh37 (hg19) VCF-style: chr5-149434822-G-T.
Other names: c.2632C>A, p.Pro878Thr (NM_001349736.2, NM_001375320.1, NM_005211.4); c.2188C>A, p.Pro730Thr (NM_001375321.1); short protein forms P878T, P730T.
Identifiers: ClinVar variation 2734802 (VCV002734802.3), dbSNP rs281860280, ClinGen allele CA343023.